The following is an entry in ClinVar:

NM_014363.6(SACS):c.5079G>A (p.Met1693Ile)

Gene: SACS (sacsin molecular chaperone; minus strand). Cytogenetic location: 13q12.12.
Variant type: single nucleotide variant.
Coding change: c.5079G>A on transcript NM_014363.6 (MANE Select); coding-DNA position 5079, G replaced by A.
Protein change: p.Met1693Ile; replaces methionine 1693 with isoleucine.
Molecular consequence: missense variant.
Genome position (GRCh38, 1-based): chr13:23,338,797, C>T on the plus strand (G>A on the coding strand, the complement: SACS is on the minus strand). VCF-style: chr13-23338797-C-T. GRCh37 (hg19) VCF-style: chr13-23912936-C-T.
Other names: c.4638G>A, p.Met1546Ile (NM_001278055.2); short protein forms M1546I, M1693I.
Identifiers: ClinVar variation 806989 (VCV000806989.48), dbSNP rs775069857, ClinGen allele CA6911299.

ClinVar aggregate classification (germline): Uncertain significance. Review status: criteria provided, multiple submitters, no conflicts (2 of 4 stars). 3 submissions from 3 submitters: Uncertain significance (3). Last evaluated 2021-09-05.

Conditions:
Spastic paraplegia. Identifiers: MedGen C0037772, HP:0001258.
Charlevoix-Saguenay spastic ataxia (SACS). Also called: AUTOSOMAL RECESSIVE SPASTIC ATAXIA OF CHARLEVOIX-SAGUENAY; SPASTIC ATAXIA 6, AUTOSOMAL RECESSIVE; Spastic ataxia of Charlevoix-Saguenay. Identifiers: Orphanet 98, MedGen C1849140, MONDO:0010041, OMIM 270550.

Allele frequency attached by ClinVar (database versions not stated): gnomAD exomes below 0.00001; ExAC 0.00001.

Submissions (3):

Genome-Nilou Lab
Classification: Uncertain significance for Charlevoix-Saguenay spastic ataxia. Last evaluated: 2021-09-05. Review status: criteria provided, single submitter. Criteria: ACMG Guidelines, 2015. Collection method: clinical testing. Allele origin: germline. Affected: no.

Labcorp Genetics (formerly Invitae), Labcorp
Classification: Uncertain significance for Spastic paraplegia. Last evaluated: 2021-08-27. Review status: criteria provided, single submitter. Criteria: Invitae Variant Classification Sherloc (09022015). Collection method: clinical testing. Allele origin: germline.
Comment: This sequence change replaces methionine with isoleucine at codon 1693 of the SACS protein (p.Met1693Ile). The methionine residue is highly conserved and there is a small physicochemical difference between methionine and isoleucine. This variant is present in population databases (rs775069857, ExAC 0.01%). This variant has not been reported in the literature in individuals affected with SACS-related conditions. Algorithms developed to predict the effect of missense changes on protein structure and function are either unavailable or do not agree on the potential impact of this missense change (SIFT: "Deleterious"; PolyPhen-2: "Benign"; Align-GVGD: "Class C0"). In summary, the available evidence is currently insufficient to determine the role of this variant in disease. Therefore, it has been classified as a Variant of Uncertain Significance.

CeGaT Center for Human Genetics Tuebingen
Classification: Uncertain significance. Last evaluated: 2017-01-01. Review status: criteria provided, single submitter. Criteria: CeGaT Center For Human Genetics Tuebingen Variant Classification Criteria Version 2. Collection method: clinical testing. Allele origin: germline. Affected: yes. Observed: 1 variant allele.